The following is an entry in ClinVar:

ClinVar aggregate classification (germline): Uncertain significance. Review status: criteria provided, multiple submitters, no conflicts (2 of 4 stars). 2 submissions from 2 submitters: Uncertain significance (2). Last evaluated 2024-08-21.

Conditions:
Cardiovascular phenotype. Identifiers: MedGen CN230736.

Allele frequency attached by ClinVar (database versions not stated): gnomAD exomes 0.00001 and 0.00003; ExAC 0.00003; TOPMed 0.00003; ESP Exome Variant Server 0.00017.
gnomAD v4.1: 19 of 1,603,564 alleles (0.0012%); highest among the groups gnomAD compares: African/African-American, 0.004%; no homozygotes.

Submissions (2):

Mayo Clinic Laboratories, Mayo Clinic
Classification: Uncertain significance. Last evaluated: 2024-08-21. Review status: criteria provided, single submitter. Criteria: ACMG Guidelines, 2015. Collection method: clinical testing. Allele origin: germline. Observed: 1 variant allele.

Ambry Genetics
Classification: Uncertain significance for Cardiovascular phenotype. Last evaluated: 2017-01-04. Review status: criteria provided, single submitter. Criteria: Ambry Variant Classification Scheme 2023. Collection method: clinical testing. Allele origin: germline.
Comment: The p.R10222C variant (also known as c.30664C>T), located in coding exon 123 of the TTN gene, results from a C to T substitution at nucleotide position 30664. The arginine at codon 10222 is replaced by cysteine, an amino acid with highly dissimilar properties, and is located in the A-band region of the N2-B isoform of the titin protein. This amino acid position is highly conserved in available vertebrate species. In addition, this alteration is predicted to be tolerated by in silico analysis. Since supporting evidence is limited at this time, the clinical significance of this alteration remains unclear.

NM_001267550.2(TTN):c.57859C>T (p.Arg19287Cys)

Genes: TTN (titin; minus strand), TTN-AS1 (TTN antisense RNA 1; plus strand). Cytogenetic location: 2q31.2.
Variant type: single nucleotide variant.
Coding change: c.57859C>T on transcript NM_001267550.2 (MANE Select); coding-DNA position 57859, C replaced by T.
Protein change: p.Arg19287Cys; replaces arginine 19287 with cysteine.
Molecular consequence: missense variant.
Genome position (GRCh38, 1-based): chr2:178,594,635, G>A on the plus strand (C>T on the coding strand, the complement: TTN is on the minus strand). VCF-style: chr2-178594635-G-A. GRCh37 (hg19) VCF-style: chr2-179459362-G-A.
Other names: p.Arg17646Cys; c.52936C>T, p.Arg17646Cys (NM_001256850.1); c.30664C>T, p.Arg10222Cys (NM_003319.4); c.50155C>T, p.Arg16719Cys (NM_133378.4); c.31039C>T, p.Arg10347Cys (NM_133432.3); c.31240C>T, p.Arg10414Cys (NM_133437.4); short protein forms R10222C, R19287C, R10347C, R10414C, R17646C, R16719C.
Identifiers: ClinVar variation 518965 (VCV000518965.6), dbSNP rs372710684, ClinGen allele CA1992971.
Genomic context (GRCh38, chr2:178,594,635, plus strand): 5'-GATTCCAAGTCAAAGTTACAGTATTTTTAGTAACTTCTTTGACTTCCAGGTCTTCAGGAC[G>A]CTCTGGTACAGCTGCGAATATAAGTATAGGAATTGTGGTAGAAAAAAATGTCACATTAAG-3'
Protein context (NP_001254479.2, residues 19277-19297): VIREPITVPE[Arg19287Cys]PEDLEVKEVT